The following is an entry in ClinVar:

NM_181426.2(CCDC39):c.1636G>T (p.Glu546Ter)

Gene: CCDC39 (coiled-coil domain 39 molecular ruler complex subunit; minus strand). Cytogenetic location: 3q26.33.
Variant type: single nucleotide variant.
Coding change: c.1636G>T on transcript NM_181426.2 (MANE Select); coding-DNA position 1636, G replaced by T.
Protein change: p.Glu546Ter; replaces glutamic acid 546 with a stop codon.
Molecular consequence: nonsense.
Genome position (GRCh38, 1-based): chr3:180,644,149, C>A on the plus strand (G>T on the coding strand, the complement: CCDC39 is on the minus strand). VCF-style: chr3-180644149-C-A. GRCh37 (hg19) VCF-style: chr3-180361937-C-A.
Other names: short protein forms E546*.
Identifiers: ClinVar variation 2736761 (VCV002736761.3), dbSNP rs2473806198, ClinGen allele CA355309434.

ClinVar aggregate classification (germline): Pathogenic (1 of 4 stars; one submission).

Conditions:
Primary ciliary dyskinesia. Also called: Ciliary dyskinesia. Identifiers: Orphanet 244, MedGen C0008780, MONDO:0016575, HP:0012265.

Allele frequency attached by ClinVar (database versions not stated): gnomAD exomes below 0.00001.
gnomAD v4.1: 1 of 1,544,578 alleles (0.000065%); highest among the groups gnomAD compares: Non-Finnish European, 0.000087%; no homozygotes.

Submission:

Labcorp Genetics (formerly Invitae), Labcorp
Classification: Pathogenic for Primary ciliary dyskinesia. Last evaluated: 2023-01-26. Review status: criteria provided, single submitter. Criteria: Invitae Variant Classification Sherloc (09022015). Collection method: clinical testing. Allele origin: germline.
Comment: For these reasons, this variant has been classified as Pathogenic. This variant has not been reported in the literature in individuals affected with CCDC39-related conditions. This variant is not present in population databases (gnomAD no frequency). This sequence change creates a premature translational stop signal (p.Glu546*) in the CCDC39 gene. It is expected to result in an absent or disrupted protein product. Loss-of-function variants in CCDC39 are known to be pathogenic (PMID: 21131972, 23255504).

Literature cited by the submitters: PubMed 21131972; PubMed 23255504.